The following is an entry in ClinVar:

ClinVar aggregate classification (germline): Uncertain significance (1 of 4 stars; one submission).

Submission:

GeneDx
Classification: Uncertain significance. Last evaluated: 2024-03-05. Review status: criteria provided, single submitter. Criteria: GeneDx Variant Classification Process June 2021. Collection method: clinical testing. Allele origin: germline. Affected: yes.
Comment: Not observed at significant frequency in large population cohorts (gnomAD); In silico analysis supports that this missense variant has a deleterious effect on protein structure/function; Has not been previously published as pathogenic or benign to our knowledge

NM_001258392.3(CLPB):c.833A>G (p.Glu278Gly)

Gene: CLPB (ClpB family mitochondrial disaggregase; minus strand). Cytogenetic location: 11q13.4.
Variant type: single nucleotide variant.
Coding change: c.833A>G on transcript NM_001258392.3 (MANE Select); coding-DNA position 833, A replaced by G.
Protein change: p.Glu278Gly; replaces glutamic acid 278 with glycine.
Molecular consequence: missense variant.
Genome position (GRCh38, 1-based): chr11:72,329,747, T>C on the plus strand (A>G on the coding strand, the complement: CLPB is on the minus strand). VCF-style: chr11-72329747-T-C. GRCh37 (hg19) VCF-style: chr11-72040791-T-C.
Other names: c.746A>G, p.Glu249Gly (NM_001258393.3); c.788A>G, p.Glu263Gly (NM_001258394.3); c.923A>G, p.Glu308Gly (NM_030813.6); short protein forms E249G, E263G, E278G, E308G.
Identifiers: ClinVar variation 3359506 (VCV003359506.1).
Genomic context (GRCh38, chr11:72,329,747, plus strand): 5'-CTCCCTTCCCTGAGACTTACCTTGGCTTCAGAAGTCCTCAGAAGCTTCATCACTTCCCCT[T>C]CTCGGGCATAATCCAAGGGTGTGTGTCCCATTTCATTCCTCTGCAGGGGGTTGGCTCCTG-3'
Protein context (NP_001245321.1, residues 268-288): MGHTPLDYAR[Glu278Gly]GEVMKLLRTS